The following is an entry in ClinVar:

NM_000059.4(BRCA2):c.5890A>C (p.Lys1964Gln)

Gene: BRCA2 (BRCA2 DNA repair associated; plus strand). Cytogenetic location: 13q13.1.
Variant type: single nucleotide variant.
Coding change: c.5890A>C on transcript NM_000059.4 (MANE Select); coding-DNA position 5890, A replaced by C.
Protein change: p.Lys1964Gln; replaces lysine 1964 with glutamine.
Molecular consequence: missense variant.
Genome position (GRCh38, 1-based): chr13:32,340,245, A>C. VCF-style: chr13-32340245-A-C. GRCh37 (hg19) VCF-style: chr13-32914382-A-C.
Other names: short protein forms K1964Q.
Identifiers: ClinVar variation 531358 (VCV000531358.10), dbSNP rs1555284445, ClinGen allele CA387787475.

ClinVar aggregate classification (germline): Conflicting classifications of pathogenicity. Review status: criteria provided, conflicting classifications (1 of 4 stars). 2 submissions from 2 submitters: Uncertain significance (1); Likely benign (1). Last evaluated 2023-03-23.

Conditions:
Hereditary cancer-predisposing syndrome. Also called: Hereditary neoplastic syndrome; Neoplastic Syndromes, Hereditary; Tumor predisposition; Hereditary Cancer Syndrome. Identifiers: Orphanet 140162, MedGen C0027672, MeSH D009386, MONDO:0015356.
Hereditary breast ovarian cancer syndrome. Also called: Hereditary breast and ovarian cancer syndrome (HBOC); BRCA1- and BRCA2-Associated Hereditary Breast and Ovarian Cancer; Hereditary breast and ovarian cancer syndrome; Breast and ovarian cancer; Hereditary breast and ovarian cancer; Hereditary breast and/or ovarian cancer syndrome. Identifiers: Orphanet 145, MedGen C0677776, MeSH D061325, MONDO:0003582. Disease mechanism: loss of function.

Submissions (2):

University of Washington Department of Laboratory Medicine, University of Washington
Classification: Likely benign for Hereditary cancer-predisposing syndrome. Last evaluated: 2023-03-23. Review status: criteria provided, single submitter. Criteria: Dines et al. (Genet Med. 2020). Collection method: curation. Allele origin: germline.
Comment: Missense variant in a coldspot region where missense variants are very unlikely to be pathogenic (PMID:31911673).

BRCA2 exon 11 coldspot. Reclassification based on statistical prior probability.

Labcorp Genetics (formerly Invitae), Labcorp
Classification: Uncertain significance for Hereditary breast ovarian cancer syndrome. Last evaluated: 2017-12-20. Review status: criteria provided, single submitter. Criteria: Invitae Variant Classification Sherloc (09022015). Collection method: clinical testing. Allele origin: germline.
Comment: In summary, the available evidence is currently insufficient to determine the role of this variant in disease. Therefore, it has been classified as a Variant of Uncertain Significance. Algorithms developed to predict the effect of missense changes on protein structure and function do not agree on the potential impact of this missense change (SIFT: "Tolerated"; PolyPhen-2: "Possibly Damaging"; Align-GVGD: "Class C0"). This variant has not been reported in the literature in individuals with BRCA2-related disease. This variant is not present in population databases (ExAC no frequency). This sequence change replaces lysine with glutamine at codon 1964 of the BRCA2 protein (p.Lys1964Gln). The lysine residue is moderately conserved and there is a small physicochemical difference between lysine and glutamine.